The following is an entry in ClinVar:

NM_000051.4(ATM):c.1692_1693del (p.Cys564_Glu565delinsTer)

Gene: ATM (ATM serine/threonine kinase; plus strand). Cytogenetic location: 11q22.3.
Variant type: Microsatellite.
Coding change: c.1692_1693del on transcript NM_000051.4 (MANE Select); coding-DNA positions 1692 to 1693, 2 bases deleted (TG; older notation c.1692_1693delTG).
Protein change: p.Cys564_Glu565delinsTer.
Molecular consequence: nonsense.
Genome position (GRCh38, 1-based): chr11:108,251,921-108,251,922, TG deleted; deleting any 2 consecutive bases within chr11:108,251,917-108,251,922 gives the same sequence; the c. name uses the placement nearest the transcript's 3' end. VCF-style (leftmost placement, unchanged base first): chr11-108251916-ATG-A. GRCh37 (hg19) VCF-style: chr11-108122643-ATG-A.
Other names: c.1692_1693del, p.Cys564_Glu565delinsTer (NM_001351834.2).
Identifiers: ClinVar variation 848853 (VCV000848853.7), dbSNP rs2080171293, ClinGen allele CA916080445.

ClinVar aggregate classification (germline): Pathogenic (1 of 4 stars; one submission).

Conditions:
Ataxia-telangiectasia syndrome (AT). Also called: Ataxia-telangiectasia, complementation group E; Cerebello-oculocutaneous telangiectasia; Immunodeficiency with ataxia telangiectasia; Ataxia-telangiectasia, complementation group D; AT, COMPLEMENTATION GROUP C; Ataxia-telangiectasia. Identifiers: Orphanet 100, MedGen C0004135, MONDO:0008840, OMIM 208900.

Submission:

Labcorp Genetics (formerly Invitae), Labcorp
Classification: Pathogenic for Ataxia-telangiectasia syndrome. Last evaluated: 2021-03-24. Review status: criteria provided, single submitter. Criteria: Invitae Variant Classification Sherloc (09022015). Collection method: clinical testing. Allele origin: germline.
Comment: This sequence change creates a premature translational stop signal (p.Cys564*) in the ATM gene. It is expected to result in an absent or disrupted protein product. Loss-of-function variants in ATM are known to be pathogenic (PMID: 23807571, 25614872). This variant is not present in population databases (ExAC no frequency). This variant has not been reported in the literature in individuals with ATM-related conditions. ClinVar contains an entry for this variant (Variation ID: 848853). For these reasons, this variant has been classified as Pathogenic.

Literature cited by the submitters: PubMed 23807571; PubMed 25614872.